The following is an entry in ClinVar:

NM_000719.7(CACNA1C):c.737G>A (p.Arg246Gln)

Gene: CACNA1C (calcium voltage-gated channel subunit alpha1 C; plus strand). Cytogenetic location: 12p13.33.
Variant type: single nucleotide variant.
Coding change: c.737G>A on transcript NM_000719.7 (MANE Select); coding-DNA position 737, G replaced by A.
Protein change: p.Arg246Gln; replaces arginine 246 with glutamine.
Molecular consequence: missense variant.
Genome position (GRCh38, 1-based): chr12:2,457,686, G>A. VCF-style: chr12-2457686-G-A. GRCh37 (hg19) VCF-style: chr12-2566852-G-A.
Other names: c.737G>A, p.Arg246Gln (NM_001129827.2, NM_001129829.2, NM_001129830.3 and 19 more transcripts); short protein forms R246Q.
Identifiers: ClinVar variation 1758607 (VCV001758607.5), dbSNP rs2497871916, ClinGen allele CA383367870.

ClinVar aggregate classification (germline): Conflicting classifications of pathogenicity. Review status: criteria provided, conflicting classifications (1 of 4 stars). 3 submissions from 3 submitters: Pathogenic (1); Uncertain significance (2). Last evaluated 2025-08-05.

Conditions:
Neurodevelopmental disorder with hypotonia, language delay, and skeletal defects with or without seizures (NEDHLSS). Identifiers: MedGen C5774213, MONDO:0859286, OMIM 620029.
Cardiovascular phenotype. Identifiers: MedGen CN230736.

Submissions (3):

GeneDx
Classification: Pathogenic. Last evaluated: 2025-08-05. Review status: criteria provided, single submitter. Criteria: GeneDx Variant Classification Process June 2021. Collection method: clinical testing. Allele origin: germline.
Comment: Not observed at significant frequency in large population cohorts (gnomAD); In silico analysis supports that this missense variant has a deleterious effect on protein structure/function; Has not been previously published as pathogenic or benign to our knowledge

3billion
Classification: Uncertain significance for Neurodevelopmental disorder with hypotonia, language delay, and skeletal defects with or without seizures. Last evaluated: 2025-07-22. Review status: criteria provided, single submitter. Criteria: ACMG Guidelines, 2015. Collection method: clinical testing. Allele origin: germline. Affected: yes.
Comment: The variant is not observed in the gnomAD v4.1.0 dataset. Predicted Consequence/Location: Missense variant. Missense changes are a common disease-causing mechanism. In silico tool predictions suggest damaging effect of the variant on gene or gene product [REVEL: 0.92 (>=0.6, sensitivity 0.68 and specificity 0.92); 3Cnet: 0.99 (> 0.75, sensitivity 0.96 and precision 0.92)]. The same nucleotide change resulting in the same amino acid change has been previously reported to be associated with CACNA1C-related disorder (ClinVar ID: VCV001758607). However, the evidence of pathogenicity is insufficient at this time. Therefore, this variant is classified as VUS according to the recommendation of ACMG/AMP guideline.

Ambry Genetics
Classification: Uncertain significance for Cardiovascular phenotype. Last evaluated: 2018-05-01. Review status: criteria provided, single submitter. Criteria: Ambry Variant Classification Scheme 2023. Collection method: clinical testing. Allele origin: germline.
Comment: The p.R246Q variant (also known as c.737G>A), located in coding exon 5 of the CACNA1C gene, results from a G to A substitution at nucleotide position 737. The arginine at codon 246 is replaced by glutamine, an amino acid with highly similar properties. This amino acid position is highly conserved in available vertebrate species. In addition, this alteration is predicted to be deleterious by in silico analysis. Since supporting evidence is limited at this time, the clinical significance of this alteration remains unclear.